The following is an entry in ClinVar:

ClinVar aggregate classification (germline): Uncertain significance (1 of 4 stars; one submission).

Conditions:
Hereditary cancer-predisposing syndrome. Also called: Neoplastic Syndromes, Hereditary; Tumor predisposition; Hereditary neoplastic syndrome; Hereditary Cancer Syndrome. Identifiers: Orphanet 140162, MedGen C0027672, MeSH D009386, MONDO:0015356.

Submission:

Ambry Genetics
Classification: Uncertain significance for Hereditary cancer-predisposing syndrome. Last evaluated: 2024-03-25. Review status: criteria provided, single submitter. Criteria: Ambry Variant Classification Scheme 2023. Collection method: clinical testing. Allele origin: germline.
Comment: The p.G38R variant (also known as c.112G>C), located in coding exon 1 of the RB1 gene, results from a G to C substitution at nucleotide position 112. The glycine at codon 38 is replaced by arginine, an amino acid with dissimilar properties. This amino acid position is conserved. In addition, the in silico prediction for this alteration is inconclusive. Based on the available evidence, the clinical significance of this alteration remains unclear.

NM_000321.3(RB1):c.112G>C (p.Gly38Arg)

Gene: RB1 (RB transcriptional corepressor 1; plus strand). Cytogenetic location: 13q14.2.
Variant type: single nucleotide variant.
Coding change: c.112G>C on transcript NM_000321.3 (MANE Select); coding-DNA position 112, G replaced by C.
Protein change: p.Gly38Arg; replaces glycine 38 with arginine.
Molecular consequence: missense variant.
Genome position (GRCh38, 1-based): chr13:48,304,024, G>C. VCF-style: chr13-48304024-G-C. GRCh37 (hg19) VCF-style: chr13-48878160-G-C.
Other names: c.112G>C, p.Gly38Arg (NM_001407165.1, NM_001407166.1, NM_001407167.1); short protein forms G38R.
Identifiers: ClinVar variation 3313039 (VCV003313039.1).